The following is an entry in ClinVar:

NM_000245.4(MET):c.2399G>A (p.Cys800Tyr)

Gene: MET (MET proto-oncogene, receptor tyrosine kinase; plus strand). Cytogenetic location: 7q31.2.
Variant type: single nucleotide variant.
Coding change: c.2399G>A on transcript NM_000245.4 (MANE Select); coding-DNA position 2399, G replaced by A.
Protein change: p.Cys800Tyr; replaces cysteine 800 with tyrosine.
Molecular consequence: missense variant.
Genome position (GRCh38, 1-based): chr7:116,763,084, G>A. VCF-style: chr7-116763084-G-A. GRCh37 (hg19) VCF-style: chr7-116403138-G-A.
Other names: c.2453G>A, p.Cys818Tyr (NM_001127500.3); c.2399G>A, p.Cys800Tyr (NM_001324401.3); c.1109G>A, p.Cys370Tyr (NM_001324402.2); short protein forms C800Y, C370Y, C818Y.
Identifiers: ClinVar variation 1791523 (VCV001791523.2), dbSNP rs1209881740, ClinGen allele CA368982999.
Genomic context (GRCh38, chr7:116,763,084, plus strand): 5'-CAGTGGATAATTGTGTCTTTCTCTAGGCATGTCAACATCGCTCTAATTCAGAGATAATCT[G>A]TTGTACCACTCCTTCCCTGCAACAGCTGAATCTGCAACTCCCCCTGAAAACCAAAGCCTT-3'
Protein context (NP_000236.2, residues 790-810): CQHRSNSEII[Cys800Tyr]CTTPSLQQLN

ClinVar aggregate classification (germline): Uncertain significance (1 of 4 stars; one submission).

Conditions:
Hereditary cancer-predisposing syndrome. Also called: Hereditary Cancer Syndrome; Hereditary neoplastic syndrome; Tumor predisposition; Neoplastic Syndromes, Hereditary. Identifiers: Orphanet 140162, MedGen C0027672, MeSH D009386, MONDO:0015356.

Submission:

Ambry Genetics
Classification: Uncertain significance for Hereditary cancer-predisposing syndrome. Last evaluated: 2022-01-14. Review status: criteria provided, single submitter. Criteria: Ambry Variant Classification Scheme 2023. Collection method: clinical testing. Allele origin: germline.
Comment: The p.C818Y variant (also known as c.2453G>A), located in coding exon 10 of the MET gene, results from a G to A substitution at nucleotide position 2453. The cysteine at codon 818 is replaced by tyrosine, an amino acid with highly dissimilar properties. This amino acid position is highly conserved in available vertebrate species. In addition, this alteration is predicted to be deleterious by in silico analysis. Since supporting evidence is limited at this time, the clinical significance of this alteration remains unclear.